The following is an entry in ClinVar:

ClinVar aggregate classification (germline): Uncertain significance (1 of 4 stars; one submission).

Conditions:
Developmental and epileptic encephalopathy, 30 (DEE30). Also called: Epileptic encephalopathy, early infantile, 30. Identifiers: MedGen C4225360, MONDO:0014595, OMIM 616341.

Submission:

Labcorp Genetics (formerly Invitae), Labcorp
Classification: Uncertain significance for Developmental and epileptic encephalopathy, 30. Last evaluated: 2023-12-12. Review status: criteria provided, single submitter. Criteria: Invitae Variant Classification Sherloc (09022015). Collection method: clinical testing. Allele origin: germline.
Comment: This sequence change replaces glycine, which is neutral and non-polar, with cysteine, which is neutral and slightly polar, at codon 17 of the SIK1 protein (p.Gly17Cys). This variant is not present in population databases (gnomAD no frequency). This missense change has been observed in individual(s) with early onset seizures (Invitae). Advanced modeling of protein sequence and biophysical properties (such as structural, functional, and spatial information, amino acid conservation, physicochemical variation, residue mobility, and thermodynamic stability) performed at Invitae indicates that this missense variant is not expected to disrupt SIK1 protein function with a negative predictive value of 95%. In summary, the available evidence is currently insufficient to determine the role of this variant in disease. Therefore, it has been classified as a Variant of Uncertain Significance.

NM_173354.5(SIK1):c.49G>T (p.Gly17Cys)

Gene: SIK1 (salt inducible kinase 1; minus strand). Cytogenetic location: 21q22.3.
Variant type: single nucleotide variant.
Coding change: c.49G>T on transcript NM_173354.5 (MANE Select); coding-DNA position 49, G replaced by T.
Protein change: p.Gly17Cys; replaces glycine 17 with cysteine.
Molecular consequence: missense variant.
Genome position (GRCh38, 1-based): chr21:43,426,130, C>A on the plus strand (G>T on the coding strand, the complement: SIK1 is on the minus strand). VCF-style: chr21-43426130-C-A. GRCh37 (hg19) VCF-style: chr21-44846010-C-A.
Other names: short protein forms G17C.
Identifiers: ClinVar variation 2800298 (VCV002800298.3), dbSNP rs2516969198, ClinGen allele CA410611121.